The following is an entry in ClinVar:

ClinVar aggregate classification (germline): Likely benign (1 of 4 stars; one submission).

Submission:

CeGaT Center for Human Genetics Tuebingen
Classification: Likely benign. Last evaluated: 2025-12-01. Review status: criteria provided, single submitter. Criteria: CeGaT Center For Human Genetics Tuebingen Variant Classification Criteria Version 2. Collection method: clinical testing. Allele origin: germline. Affected: yes. Observed: 2 variant alleles.
Comment: FMN2: BP4, BP7

NM_020066.5(FMN2):c.2757C>A (p.Gly919=)

Gene: FMN2 (formin 2; plus strand). Cytogenetic location: 1q43.
Variant type: single nucleotide variant.
Coding change: c.2757C>A on transcript NM_020066.5 (MANE Select); coding-DNA position 2757, C replaced by A.
Protein change: p.Gly919=; no amino-acid change (glycine 919 retained).
Molecular consequence: synonymous variant. On other transcripts: intron variant (1).
Genome position (GRCh38, 1-based): chr1:240,207,569, C>A. VCF-style: chr1-240207569-C-A. GRCh37 (hg19) VCF-style: chr1-240370869-C-A.
Other names: c.2769C>A, p.Gly923= (NM_001305424.2); c.1986+19307C>A (NM_001348094.2).
Identifiers: ClinVar variation 4533757 (VCV004533757.6).